The following is an entry in ClinVar:

ClinVar aggregate classification (germline): Pathogenic. Review status: criteria provided, multiple submitters, no conflicts (2 of 4 stars). 6 submissions from 6 submitters: Pathogenic (5). 1 of the submissions does not count toward it. Last evaluated 2025-09-21.

Conditions:
Androgen resistance syndrome (AIS). Also called: Androgen insensitivity syndrome; TESTICULAR FEMINIZATION SYNDROME; Androgen insensitivity syndrome due to coactivator deficiency; Androgen insensitivity; ANDROGEN RECEPTOR DEFICIENCY; DIHYDROTESTOSTERONE RECEPTOR DEFICIENCY. Identifiers: Orphanet 754, Orphanet 99429, MedGen C0039585, MONDO:0019154, OMIM 300068. Disease mechanism: loss of function.
Kennedy disease (SMAX1). Also called: KENNEDY SPINAL AND BULBAR MUSCULAR ATROPHY; Spinal and Bulbar Muscular Atrophy; SPINAL AND BULBAR MUSCULAR ATROPHY, X-LINKED 1. Identifiers: Orphanet 481, MedGen C1839259, MONDO:0010735, OMIM 313200.

Allele frequency attached by ClinVar (database versions not stated): TOPMed below 0.00001; gnomAD exomes 0.00001.

Submissions (6):

Labcorp Genetics (formerly Invitae), Labcorp
Classification: Pathogenic for Kennedy disease; Androgen resistance syndrome. Last evaluated: 2025-09-21. Review status: criteria provided, single submitter. Criteria: Invitae Variant Classification Sherloc (09022015). Collection method: clinical testing. Allele origin: germline.
Comment: This sequence change replaces valine, which is neutral and non-polar, with methionine, which is neutral and non-polar, at codon 890 of the AR protein (p.Val890Met). This variant is present in population databases (no rsID available, gnomAD 0.008%). This missense change has been observed in individuals with complete androgen insensitivity syndrome (PMID: 10690872, 14974091, 15925895, 20150575, 24737579). This variant is also known as p.Val889Met and p.Val888Met. ClinVar contains an entry for this variant (Variation ID: 279690). Invitae Evidence Modeling of protein sequence and biophysical properties (such as structural, functional, and spatial information, amino acid conservation, physicochemical variation, residue mobility, and thermodynamic stability) indicates that this missense variant is expected to disrupt AR protein function with a positive predictive value of 95%. Experimental studies have shown that this missense change affects AR function (PMID: 8126121). For these reasons, this variant has been classified as Pathogenic.

3billion
Classification: Pathogenic for Androgen resistance syndrome. Last evaluated: 2025-07-08. Review status: criteria provided, single submitter. Criteria: ACMG Guidelines, 2015. Collection method: clinical testing. Allele origin: germline. Affected: yes.
Comment: The variant is not observed in the gnomAD v4.1.0 dataset. Predicted Consequence/Location: Missense variant Functional studies provide strong evidence of the variant having a damaging effect on the gene or gene product (PMID: 8126121). In silico tool predictions suggest damaging effect of the variant on gene or gene product [REVEL: 0.94 (>=0.6, sensitivity 0.68 and specificity 0.92)]. The same nucleotide change resulting in the same amino acid change has been previously reported as pathogenic/likely pathogenic with strong evidence (ClinVar ID: VCV000279690 /PMID: 10425033 /3billion dataset). The variant has been observed in multiple (>3) similarly affected unrelated individuals (PMID: 10690872, 14974091, 15925895, 20150575, 24737579). A different missense change at the same codon (p.Val890Leu) has been reported as pathogenic/likely pathogenic with strong evidence (ClinVar ID: VCV000430163, VCV001338633 /PMID: 20150575). Therefore, this variant is classified as Pathogenic according to the recommendation of ACMG/AMP guideline.

Genetic Services Laboratory, University of Chicago
Classification: Pathogenic. Last evaluated: 2024-08-30. Review status: criteria provided, single submitter. Criteria: ACMG Guidelines, 2015. Collection method: clinical testing. Allele origin: germline. Affected: yes.
Comment: DNA sequence analysis of the AR gene demonstrated a sequence change, c.2668G>A, in exon 8 that results in an amino acid change, p.Val890Met, which is also reported as p.Val889Met in the literature. The p.Val890Met change affects a highly conserved amino acid residue located in a domain of the AR protein that is known to be functional. The p.Val890Met substitution appears to be deleterious using several in-silico pathogenicity prediction tools (SIFT, PolyPhen2, Align GVGD, REVEL). This pathogenic sequence change has previously been described in individuals with partial or complete androgen insensitivity syndrome (PMID: 8126121,10690872, 14974091, 20150575). This sequence change has been described in the gnomAD database in one individual in the heterozygous state which corresponds to a population frequency of 0.00055% (dbSNP rs886041133). The p.Val890Met amino acid change occurs in a region of the AR gene where other missense sequence changes have been described in individuals with AR-related disorders (PMID: 20150575, 25674389, 29785970). Functional studies have shown that this sequence change affects AR function (PMID: 8126121). These collective evidences indicate that this sequence change is pathogenic.

GeneDx
Classification: Pathogenic. Last evaluated: 2023-06-21. Review status: criteria provided, single submitter. Criteria: GeneDx Variant Classification Process June 2021. Collection method: clinical testing. Allele origin: germline. Affected: yes.
Comment: Published functional studies found this variant is associated with significant impairment of androgen binding capacity (de Bellis et al., 1994); In silico analysis supports that this missense variant has a deleterious effect on protein structure/function; Not observed at significant frequency in large population cohorts (gnomAD); In silico analysis suggests this variant may impact gene splicing. In the absence of RNA/functional studies, the actual effect of this sequence change is unknown.; Missense variants in this gene are often considered pathogenic (HGMD); Also known as p.(V889M); This variant is associated with the following publications: (PMID: 29785970, 26522496, 14974091, 27802905, 10690872, 10425033, 20150575, 15925895, 27051040, 27022412, 33516834, 24737579, 8126121)

Victorian Clinical Genetics Services, Murdoch Childrens Research Institute
Classification: Pathogenic for Androgen resistance syndrome. Last evaluated: 2020-06-11. Review status: criteria provided, single submitter. Criteria: ACMG Guidelines, 2015. Collection method: clinical testing. Allele origin: germline. Inheritance: X-linked recessive inheritance. Affected: yes.
Comment: Based on the classification scheme VCGS_Germline_v1.1.1, this variant is classified as Pathogenic. Following criteria are met: 0103 - Both loss- and gain-of-function are known mechanisms of disease for this gene, however the androgen insensitivity (AIS) phenotype is known to only be caused by variants resulting in a loss-of-function (OMIM, PMID: 22334387). (N) 0109 - This gene is known to be associated with X-linked recessive disease. (N) 0200 - Variant is predicted to result in a missense amino acid change from valine to methionine (exon 8). (N) 0253 - Variant is hemizygous. (N) 0304 - Variant is present in gnomAD (v2) <0.01 for a recessive condition (1 heterozygote, 0 homozygotes, 0 hemizygotes). (P) 0502 - Missense variant with conflicting in silico predictions and/or uninformative conservation. Minor amino acid change, very high conservation. (N) 0602 - Variant is located in a hotspot region or cluster of pathogenic variants (DECIPHER). (P) 0704 - Comparable variant has low previous evidence for pathogenicity. An alternate change to leucine at the same residue has previously been reported as pathogenic in at least two patients with AIS (ClinVar, HGMD, PMID: 20150575). (P) 0801 - Strong previous evidence of pathogenicity in unrelated individuals. The variant has previously been reported in multiple patients with both complete and partial AIS (ClinVar, HGMD, PMID: 10425033, PMID: 24737579, PMID: 27051040). (P) 0903 - Low evidence for segregation with disease. The variant has previously been shown to segregate with AIS in at least one family (PMID: 29785970). (P) 1002 - Moderate functional evidence supporting abnormal protein function. Functional studies of the variant in transfected cells demonstrated reduced androgen binding capacity (PMID: 8126121). (P) 1208 - Inheritance information for this variant is not currently available. (N) Legend: (P) - Pathogenic, (N) - Neutral, (B) - Benign

Clinical Molecular Genetics Laboratory, Johns Hopkins All Children's Hospital
Classification: Pathogenic for Androgen resistance syndrome. Last evaluated: 2016-11-15. Review status: no assertion criteria provided. Collection method: clinical testing. Allele origin: germline. Affected: yes. Not counted in ClinVar's aggregate classification.

Literature cited by the submitters: PubMed 10690872 (cited by Labcorp Genetics (formerly Invitae), Labcorp and 3billion); PubMed 14974091 (cited by Labcorp Genetics (formerly Invitae), Labcorp and 3billion); PubMed 15925895 (cited by Labcorp Genetics (formerly Invitae), Labcorp and 3billion); PubMed 20150575 (cited by 3 submitters); PubMed 24737579 (cited by 3 submitters); PubMed 8126121 (cited by 3 submitters); PubMed 10425033 (cited by 3billion and Victorian Clinical Genetics Services, Murdoch Childrens Research Institute); PubMed 22334387 (cited by Victorian Clinical Genetics Services, Murdoch Childrens Research Institute); PubMed 27051040 (cited by Victorian Clinical Genetics Services, Murdoch Childrens Research Institute); PubMed 29785970 (cited by Victorian Clinical Genetics Services, Murdoch Childrens Research Institute).

NM_000044.6(AR):c.2668G>A (p.Val890Met)

Gene: AR (androgen receptor; plus strand). Cytogenetic location: Xq12.
Variant type: single nucleotide variant.
Coding change: c.2668G>A on transcript NM_000044.6 (MANE Select); coding-DNA position 2668, G replaced by A.
Protein change: p.Val890Met; replaces valine 890 with methionine.
Molecular consequence: missense variant.
Genome position (GRCh38, 1-based): chrX:67,723,746, G>A. VCF-style: chrX-67723746-G-A. GRCh37 (hg19) VCF-style: chrX-66943588-G-A.
Other names: c.1072G>A, p.Val358Met (NM_001011645.3); short protein forms V890M, V358M.
Identifiers: ClinVar variation 279690 (VCV000279690.16), dbSNP rs886041133, ClinGen allele CA10603685.